The following is an entry in ClinVar:

NM_018723.4(RBFOX1):c.853G>A (p.Ala285Thr)

Gene: RBFOX1 (RNA binding fox-1 homolog 1; plus strand). Cytogenetic location: 16p13.3.
Variant type: single nucleotide variant.
Coding change: c.853G>A on transcript NM_018723.4 (MANE Select); coding-DNA position 853, G replaced by A.
Protein change: p.Ala285Thr; replaces alanine 285 with threonine.
Molecular consequence: missense variant.
Genome position (GRCh38, 1-based): chr16:7,653,910, G>A. VCF-style: chr16-7653910-G-A. GRCh37 (hg19) VCF-style: chr16-7703912-G-A.
Other names: c.772G>A, p.Ala258Thr (NM_001142333.2); c.853G>A, p.Ala285Thr (NM_001142334.2, NM_001364800.2); c.982G>A, p.Ala328Thr (NM_001308117.1); c.913G>A, p.Ala305Thr (NM_145891.3, NM_145892.3, NM_145893.3); short protein forms A285T, A258T, A305T, A328T.
Identifiers: ClinVar variation 1495906 (VCV001495906.8), dbSNP rs544967209, ClinGen allele CA7891723.

ClinVar aggregate classification (germline): Uncertain significance (1 of 4 stars; one submission).

Conditions:
Idiopathic generalized epilepsy. Also called: Generalised epilepsy; EIG. Identifiers: MedGen C0270850, MONDO:0005579, OMIM 600669.

Allele frequency attached by ClinVar (database versions not stated): gnomAD exomes below 0.00001; ExAC 0.00001; 1000 Genomes Project 30x 0.00016; 1000 Genomes Project 0.00040.
gnomAD v4.1: 6 of 1,577,896 alleles (0.00038%); highest among the groups gnomAD compares: African/African-American, 0.0081%; no homozygotes.

Submission:

Labcorp Genetics (formerly Invitae), Labcorp
Classification: Uncertain significance for Idiopathic generalized epilepsy. Last evaluated: 2023-12-27. Review status: criteria provided, single submitter. Criteria: Invitae Variant Classification Sherloc (09022015). Collection method: clinical testing. Allele origin: germline.
Comment: This sequence change replaces alanine, which is neutral and non-polar, with threonine, which is neutral and polar, at codon 305 of the RBFOX1 protein (p.Ala305Thr). The frequency data for this variant in the population databases is considered unreliable, as metrics indicate poor data quality at this position in the gnomAD database. This variant has not been reported in the literature in individuals affected with RBFOX1-related conditions. ClinVar contains an entry for this variant (Variation ID: 1495906). Advanced modeling of protein sequence and biophysical properties (such as structural, functional, and spatial information, amino acid conservation, physicochemical variation, residue mobility, and thermodynamic stability) performed at Invitae indicates that this missense variant is not expected to disrupt RBFOX1 protein function with a negative predictive value of 80%. In summary, the available evidence is currently insufficient to determine the role of this variant in disease. Therefore, it has been classified as a Variant of Uncertain Significance.